The following is an entry in ClinVar:

NM_000443.4(ABCB4):c.1022T>C (p.Leu341Pro)

Gene: ABCB4 (ATP binding cassette subfamily B member 4; minus strand). Cytogenetic location: 7q21.12.
Variant type: single nucleotide variant.
Coding change: c.1022T>C on transcript NM_000443.4 (MANE Select); coding-DNA position 1022, T replaced by C.
Protein change: p.Leu341Pro; replaces leucine 341 with proline.
Molecular consequence: missense variant.
Genome position (GRCh38, 1-based): chr7:87,444,959, A>G on the plus strand (T>C on the coding strand, the complement: ABCB4 is on the minus strand). VCF-style: chr7-87444959-A-G. GRCh37 (hg19) VCF-style: chr7-87074275-A-G.
Other names: c.1022T>C, p.Leu341Pro (NM_018849.3, NM_018850.3); short protein forms L341P.
Identifiers: ClinVar variation 5038213 (VCV005038213.1).

ClinVar aggregate classification (germline): Uncertain significance (1 of 4 stars; one submission).

Conditions:
Progressive familial intrahepatic cholestasis type 3. Also called: MDR3 DEFICIENCY; Low Gamma-GT Familial Intrahepatic Cholestasis. Identifiers: Orphanet 79305, MedGen C1865643, MONDO:0011214, OMIM 602347.

gnomAD v4.1: 1 of 1,602,920 alleles (0.000062%); highest among the groups gnomAD compares: East Asian, 0.0022%; no homozygotes.

Submission:

MVZ Medizinische Genetik Mainz
Classification: Uncertain significance for Progressive familial intrahepatic cholestasis type 3. Last evaluated: 2026-07-15. Review status: criteria provided, single submitter. Criteria: UK Practice Guidelines For Variant Classification V4 01 2020. Collection method: clinical testing. Allele origin: germline. Inheritance: Autosomal recessive inheritance. Affected: yes. Observed: 1 variant allele.
Comment: ACMG Criteria: PP3_MOD,PM2_SUP